The following is an entry in ClinVar:

NM_000540.3(RYR1):c.15021+2T>A

Gene: RYR1 (ryanodine receptor 1; plus strand). Cytogenetic location: 19q13.2.
Variant type: single nucleotide variant.
Coding change: c.15021+2T>A on transcript NM_000540.3 (MANE Select); the canonical splice donor site of the intron after coding-DNA position 15021, T replaced by A.
Molecular consequence: splice donor variant.
Genome position (GRCh38, 1-based): chr19:38,586,578, T>A. VCF-style: chr19-38586578-T-A. GRCh37 (hg19) VCF-style: chr19-39077218-T-A.
Other names: c.15006+2T>A (NM_001042723.2).
Identifiers: ClinVar variation 3385642 (VCV003385642.2).

ClinVar aggregate classification (germline): Uncertain significance. Review status: criteria provided, multiple submitters, no conflicts (2 of 4 stars). 2 submissions from 2 submitters: Uncertain significance (2). Last evaluated 2025-06-03.

Conditions:
Malignant hyperthermia, susceptibility to, 1 (MHS1). Also called: Anesthesia related hyperthermia; Malignant hyperpyrexia; Fulminating hyperpyrexia; Pharmacogenic myopathy; Malignant hyperthermia suceptibility 1; RYR1-Related Malignant Hyperthermia Susceptibility. Identifiers: Orphanet 423, MedGen C2930980, MONDO:0007783, OMIM 145600.

Submissions (2):

Color Diagnostics, LLC DBA Color Health
Classification: Uncertain significance for Malignant hyperthermia, susceptibility to, 1. Last evaluated: 2025-06-03. Review status: criteria provided, single submitter. Criteria: ACMG Guidelines, 2015. Collection method: clinical testing. Allele origin: germline.
Comment: This variant results in a T to A nucleotide substitution at +2 position in intron 105 of the RYR1 gene. To our knowledge, functional studies have not been reported for this variant. This variant has not been reported in individuals affected with RYR1-related disorders in the literature. This variant has not been identified in the general population by the Genome Aggregation Database (gnomAD). The available evidence is insufficient to determine the role of this variant in disease conclusively. Therefore, this variant is classified as a Variant of Uncertain Significance.

All of Us Research Program, National Institutes of Health
Classification: Uncertain significance for Malignant hyperthermia, susceptibility to, 1. Last evaluated: 2024-01-11. Review status: criteria provided, single submitter. Criteria: ACMG Guidelines, 2015. Collection method: clinical testing. Allele origin: germline. Inheritance: Autosomal dominant inheritance. Observed: 1 variant allele, 1 heterozygote.
Comment: This study involves interpretation of variants in research participants for the purpose of population health screening. Participant phenotype was not available at the time of variant classification. Additional details can be found in publication PMID: 35346344, PMCID: PMC8962531